The following is an entry in ClinVar:

NM_005591.4(MRE11):c.918G>T (p.Gln306His)

Gene: MRE11 (MRE11 double strand break repair nuclease; minus strand). Cytogenetic location: 11q21.
Variant type: single nucleotide variant.
Coding change: c.918G>T on transcript NM_005591.4 (MANE Select); coding-DNA position 918, G replaced by T.
Protein change: p.Gln306His; replaces glutamine 306 with histidine.
Molecular consequence: missense variant.
Genome position (GRCh38, 1-based): chr11:94,470,570, C>A on the plus strand (G>T on the coding strand, the complement: MRE11 is on the minus strand). VCF-style: chr11-94470570-C-A. GRCh37 (hg19) VCF-style: chr11-94203736-C-A.
Other names: c.918G>T, p.Gln306His (NM_001330347.2, NM_005590.4); short protein forms Q306H.
Identifiers: ClinVar variation 3295812 (VCV003295812.1).

ClinVar aggregate classification (germline): Uncertain significance (1 of 4 stars; one submission).

Conditions:
Hereditary cancer-predisposing syndrome. Also called: Tumor predisposition; Hereditary Cancer Syndrome; Hereditary neoplastic syndrome; Neoplastic Syndromes, Hereditary. Identifiers: Orphanet 140162, MedGen C0027672, MeSH D009386, MONDO:0015356.

Submission:

Ambry Genetics
Classification: Uncertain significance for Hereditary cancer-predisposing syndrome. Last evaluated: 2024-03-25. Review status: criteria provided, single submitter. Criteria: Ambry Variant Classification Scheme 2023. Collection method: clinical testing. Allele origin: germline.
Comment: The p.Q306H variant (also known as c.918G>T), located in coding exon 8 of the MRE11A gene, results from a G to T substitution at nucleotide position 918. The glutamine at codon 306 is replaced by histidine, an amino acid with highly similar properties. This amino acid position is conserved. In addition, the in silico prediction for this alteration is inconclusive. Based on the available evidence, the clinical significance of this alteration remains unclear.